The following is an entry in ClinVar:

NM_004239.4(TRIP11):c.202-89_202-88insGG

Gene: TRIP11 (thyroid hormone receptor interactor 11; minus strand). Cytogenetic location: 14q32.12.
Variant type: Insertion.
Coding change: c.202-89_202-88insGG on transcript NM_004239.4 (MANE Select); 89 bases into the intron before coding-DNA position 202 through 88 bases into the intron before coding-DNA position 202, GG inserted.
Molecular consequence: intron variant.
Genome position: GRCh38 VCF-style: chr14-92025508-T-TCC. GRCh37 (hg19) VCF-style: chr14-92491852-T-TCC.
Other names: c.199-89_199-88insGG (NM_001321851.1).
Identifiers: ClinVar variation 1706852 (VCV001706852.2), dbSNP rs577391295, ClinGen allele CA265631299.

ClinVar aggregate classification (germline): Likely benign (1 of 4 stars; one submission).

Submission:

GeneDx
Classification: Likely benign. Last evaluated: 2018-08-14. Review status: criteria provided, single submitter. Criteria: GeneDx Variant Classification Process June 2021. Collection method: clinical testing. Allele origin: germline. Affected: yes.
Comment: See Variant Classification Assertion Criteria.